The following is an entry in ClinVar:

ClinVar aggregate classification (germline): Uncertain significance (1 of 4 stars; one submission).

Conditions:
Cardiovascular phenotype. Identifiers: MedGen CN230736.

Submission:

Ambry Genetics
Classification: Uncertain significance for Cardiovascular phenotype. Last evaluated: 2024-03-15. Review status: criteria provided, single submitter. Criteria: Ambry Variant Classification Scheme 2023. Collection method: clinical testing. Allele origin: germline.
Comment: The p.T2874R variant (also known as c.8621C>G), located in coding exon 2 of the ZNF469 gene, results from a C to G substitution at nucleotide position 8621. The threonine at codon 2874 is replaced by arginine, an amino acid with similar properties. This amino acid position is conserved. In addition, this alteration is predicted to be tolerated by in silico analysis. Based on the available evidence, the clinical significance of this alteration remains unclear.

NM_001367624.2(ZNF469):c.8705C>G (p.Thr2902Arg)

Gene: ZNF469 (zinc finger protein 469; plus strand). Cytogenetic location: 16q24.2.
Variant type: single nucleotide variant.
Coding change: c.8705C>G on transcript NM_001367624.2 (MANE Select); coding-DNA position 8705, C replaced by G.
Protein change: p.Thr2902Arg; replaces threonine 2902 with arginine.
Molecular consequence: missense variant.
Genome position (GRCh38, 1-based): chr16:88,436,175, C>G. VCF-style: chr16-88436175-C-G. GRCh37 (hg19) VCF-style: chr16-88502583-C-G.
Other names: NM_001127464.1:c.8621C>G; short protein forms T2902R.
Identifiers: ClinVar variation 3258205 (VCV003258205.1).
Genomic context (GRCh38, chr16:88,436,175, plus strand): 5'-GTGAGAAGCCGGTGCTCCCGCTGCCAACCCAGCCCAGCTTTGAGGAGGGCGGTGACCCCA[C>G]GCTGGGCCCAGCCCGCCTGCCCACGGACCTCAGCGACTCCAGCTCCCTCTGCCTCTGCCA-3'
Protein context (NP_001354553.1, residues 2892-2912): QPSFEEGGDP[Thr2902Arg]LGPARLPTDL